The following is an entry in ClinVar:

NM_194248.3(OTOF):c.2972A>G (p.Asn991Ser)

Gene: OTOF (otoferlin; minus strand). Cytogenetic location: 2p23.3.
Variant type: single nucleotide variant.
Coding change: c.2972A>G on transcript NM_194248.3 (MANE Select); coding-DNA position 2972, A replaced by G.
Protein change: p.Asn991Ser; replaces asparagine 991 with serine.
Molecular consequence: missense variant.
Genome position (GRCh38, 1-based): chr2:26,475,933, T>C on the plus strand (A>G on the coding strand, the complement: OTOF is on the minus strand). VCF-style: chr2-26475933-T-C. GRCh37 (hg19) VCF-style: chr2-26698801-T-C.
Other names: c.2972A>G, p.Asn991Ser (NM_001287489.2); c.731A>G, p.Asn244Ser (NM_004802.4, NM_194323.3); c.902A>G, p.Asn301Ser (NM_194322.3); short protein forms N991S, N244S, N301S.
Identifiers: ClinVar variation 48211 (VCV000048211.8), dbSNP rs397517940, ClinGen allele CA142836.

ClinVar aggregate classification (germline): Conflicting classifications of pathogenicity. Review status: criteria provided, conflicting classifications (1 of 4 stars). 3 submissions from 3 submitters: Uncertain significance (2); Likely benign (1). Last evaluated 2024-12-20.

Conditions:
Inborn genetic diseases. Identifiers: MedGen C0950123, MeSH D030342.

Allele frequency attached by ClinVar (database versions not stated): gnomAD exomes 0.00002 and 0.00005; gnomAD 0.00001; TOPMed 0.00002; ExAC 0.00008.
gnomAD v4.1: 29 of 1,609,792 alleles (0.0018%); highest among the groups gnomAD compares: Middle Eastern, 0.12%; no homozygotes.

Submissions (3):

GeneDx
Classification: Uncertain significance. Last evaluated: 2024-12-20. Review status: criteria provided, single submitter. Criteria: GeneDx Variant Classification Process June 2021. Collection method: clinical testing. Allele origin: germline. Affected: yes.
Comment: In silico analysis indicates that this missense variant does not alter protein structure/function; Has not been previously published as pathogenic or benign to our knowledge

Ambry Genetics
Classification: Uncertain significance for Inborn genetic diseases. Last evaluated: 2023-02-23. Review status: criteria provided, single submitter. Criteria: Ambry Variant Classification Scheme 2023. Collection method: clinical testing. Allele origin: germline.

Laboratory for Molecular Medicine, Mass General Brigham Personalized Medicine
Classification: Likely benign. Last evaluated: 2011-01-07. Review status: criteria provided, single submitter. Criteria: LMM Criteria. Collection method: clinical testing. Allele origin: germline. Observed: 1 variant allele.
Comment: Asn991Ser in exon 24 of OTOF: This variant is not expected to have clinical sign ificance because computational analyses (PolyPhen, SIFT, AlignGVGD) do not sugge st a high likelihood of clinical significance primarily based upon a lack of con servation across species including mammals. Of note, chicken has a serine at thi s position despite high nearby amino acid conservation.